The following is an entry in ClinVar:

NM_012120.3(CD2AP):c.521A>C (p.His174Pro)

Gene: CD2AP (CD2 associated protein; plus strand). Cytogenetic location: 6p12.3.
Variant type: single nucleotide variant.
Coding change: c.521A>C on transcript NM_012120.3 (MANE Select); coding-DNA position 521, A replaced by C.
Protein change: p.His174Pro; replaces histidine 174 with proline.
Molecular consequence: missense variant.
Genome position (GRCh38, 1-based): chr6:47,554,746, A>C. VCF-style: chr6-47554746-A-C. GRCh37 (hg19) VCF-style: chr6-47522482-A-C.
Other names: c.521A>C (NM_012120.2); short protein forms H174P.
Identifiers: ClinVar variation 1017628 (VCV001017628.11), dbSNP rs762020246, ClinGen allele CA3844010.

ClinVar aggregate classification (germline): Uncertain significance. Review status: criteria provided, multiple submitters, no conflicts (2 of 4 stars). 3 submissions from 3 submitters: Uncertain significance (3). Last evaluated 2025-11-25.

Conditions:
Inborn genetic diseases. Identifiers: MedGen C0950123, MeSH D030342.
Focal segmental glomerulosclerosis 3, susceptibility to (FSGS3). Identifiers: Orphanet 656, MedGen C1842982, MONDO:0011917, OMIM 607832.

Allele frequency attached by ClinVar (database versions not stated): gnomAD 0.00001; ExAC 0.00002; TOPMed 0.00002; gnomAD exomes 0.00004.
gnomAD v4.1: 17 of 1,613,408 alleles (0.0011%); highest among the groups gnomAD compares: Admixed American, 0.025%; no homozygotes.

Submissions (3):

Labcorp Genetics (formerly Invitae), Labcorp
Classification: Uncertain significance. Last evaluated: 2025-11-25. Review status: criteria provided, single submitter. Criteria: Invitae Variant Classification Sherloc (09022015). Collection method: clinical testing. Allele origin: germline.
Comment: This sequence change replaces histidine, which is basic and polar, with proline, which is neutral and non-polar, at codon 174 of the CD2AP protein (p.His174Pro). This variant is present in population databases (rs762020246, gnomAD 0.03%). This variant has not been reported in the literature in individuals affected with CD2AP-related conditions. ClinVar contains an entry for this variant (Variation ID: 1017628). Invitae Evidence Modeling of protein sequence and biophysical properties (such as structural, functional, and spatial information, amino acid conservation, physicochemical variation, residue mobility, and thermodynamic stability) indicates that this missense variant is not expected to disrupt CD2AP protein function with a negative predictive value of 80%. In summary, the available evidence is currently insufficient to determine the role of this variant in disease. Therefore, it has been classified as a Variant of Uncertain Significance.

Ambry Genetics
Classification: Uncertain significance for Inborn genetic diseases. Last evaluated: 2025-06-24. Review status: criteria provided, single submitter. Criteria: Ambry Variant Classification Scheme 2023. Collection method: clinical testing. Allele origin: germline.

Fulgent Genetics
Classification: Uncertain significance for Focal segmental glomerulosclerosis 3, susceptibility to. Last evaluated: 2021-07-22. Review status: criteria provided, single submitter. Criteria: ACMG Guidelines, 2015. Collection method: clinical testing. Allele origin: unknown.